The following is an entry in ClinVar:

ClinVar aggregate classification (germline): Uncertain significance (1 of 4 stars; one submission).

Conditions:
Inborn genetic diseases. Identifiers: MedGen C0950123, MeSH D030342.

Submission:

Ambry Genetics
Classification: Uncertain significance for Inborn genetic diseases. Last evaluated: 2025-08-20. Review status: criteria provided, single submitter. Criteria: Ambry Variant Classification Scheme 2023. Collection method: clinical testing. Allele origin: germline.
Comment: The p.H792R variant (also known as c.2375A>G), located in coding exon 1 of the SAMD9L gene, results from an A to G substitution at nucleotide position 2375. The histidine at codon 792 is replaced by arginine, an amino acid with highly similar properties. This amino acid position is conserved. In addition, this alteration is predicted to be tolerated by in silico analysis. Based on the available evidence, the clinical significance of this variant remains unclear.

NM_152703.5(SAMD9L):c.2375A>G (p.His792Arg)

Gene: SAMD9L (sterile alpha motif domain containing 9 like; minus strand). Cytogenetic location: 7q21.2.
Variant type: single nucleotide variant.
Coding change: c.2375A>G on transcript NM_152703.5 (MANE Select); coding-DNA position 2375, A replaced by G.
Protein change: p.His792Arg; replaces histidine 792 with arginine.
Molecular consequence: missense variant.
Genome position (GRCh38, 1-based): chr7:93,133,597, T>C on the plus strand (A>G on the coding strand, the complement: SAMD9L is on the minus strand). VCF-style: chr7-93133597-T-C. GRCh37 (hg19) VCF-style: chr7-92762910-T-C.
Other names: c.2375A>G, p.His792Arg (NM_001303496.3, NM_001303497.3, NM_001303498.3 and 5 more transcripts); short protein forms H792R.
Identifiers: ClinVar variation 4159425 (VCV004159425.1).